The following is an entry in ClinVar:

NM_001114753.3(ENG):c.852G>C (p.Glu284Asp)

Gene: ENG (endoglin; minus strand). Cytogenetic location: 9q34.11.
Variant type: single nucleotide variant.
Coding change: c.852G>C on transcript NM_001114753.3 (MANE Select); coding-DNA position 852, G replaced by C.
Protein change: p.Glu284Asp; replaces glutamic acid 284 with aspartic acid.
Molecular consequence: missense variant.
Genome position (GRCh38, 1-based): chr9:127,824,939, C>G on the plus strand (G>C on the coding strand, the complement: ENG is on the minus strand). VCF-style: chr9-127824939-C-G. GRCh37 (hg19) VCF-style: chr9-130587218-C-G.
Other names: c.852G>C, p.Glu284Asp (NM_000118.4, NM_001406715.1); c.306G>C, p.Glu102Asp (NM_001278138.2); short protein forms E284D, E102D.
Identifiers: ClinVar variation 5035942 (VCV005035942.1).

ClinVar aggregate classification (germline): Uncertain significance (1 of 4 stars; one submission).

Conditions:
Cardiovascular phenotype. Identifiers: MedGen CN230736.

Submission:

Ambry Genetics
Classification: Uncertain significance for Cardiovascular phenotype. Last evaluated: 2026-07-20. Review status: criteria provided, single submitter. Criteria: Ambry Variant Classification Scheme 2023. Collection method: clinical testing. Allele origin: germline.
Comment: The p.E284D variant (also known as c.852G>C), located in coding exon 7 of the ENG gene, results from a G to C substitution at nucleotide position 852. The glutamic acid at codon 284 is replaced by aspartic acid, an amino acid with highly similar properties. This amino acid position is conserved. In addition, this alteration is predicted to be tolerated by in silico analysis. Based on the available evidence, the clinical significance of this variant remains unclear.